The following is an entry in ClinVar:

ClinVar aggregate classification (germline): Likely pathogenic (1 of 4 stars; one submission).

Allele frequency attached by ClinVar (database versions not stated): gnomAD exomes below 0.00001.
gnomAD v4.1: 1 of 1,481,004 alleles (0.000068%); highest among the groups gnomAD compares: Non-Finnish European, 0.000093%; no homozygotes.

Submission:

Labcorp Genetics (formerly Invitae), Labcorp
Classification: Likely pathogenic. Last evaluated: 2022-12-24. Review status: criteria provided, single submitter. Criteria: Invitae Variant Classification Sherloc (09022015). Collection method: clinical testing. Allele origin: germline.
Comment: This variant is not present in population databases (gnomAD no frequency). This sequence change affects a donor splice site in intron 27 of the PHIP gene. It is expected to disrupt RNA splicing. Variants that disrupt the donor or acceptor splice site typically lead to a loss of protein function (PMID: 16199547), and loss-of-function variants in PHIP are known to be pathogenic (PMID: 27900362). This variant has not been reported in the literature in individuals affected with PHIP-related conditions. In summary, the currently available evidence indicates that the variant is pathogenic, but additional data are needed to prove that conclusively. Therefore, this variant has been classified as Likely Pathogenic. Algorithms developed to predict the effect of sequence changes on RNA splicing suggest that this variant may disrupt the consensus splice site.

Literature cited by the submitters: PubMed 16199547; PubMed 27900362.

NM_017934.7(PHIP):c.3205+1G>A

Genes: IRAK1BP1 (interleukin 1 receptor associated kinase 1 binding protein 1; plus strand), PHIP (PHIP subunit of CUL4-Ring ligase complex; minus strand). Cytogenetic location: 6q14.1.
Variant type: single nucleotide variant.
Coding change: c.3205+1G>A on transcript NM_017934.7 (MANE Select); the canonical splice donor site of the intron after coding-DNA position 3205, G replaced by A.
Molecular consequence: splice donor variant.
Genome position (GRCh38, 1-based): chr6:78,969,834, C>T on the plus strand (G>A on the coding strand, the complement: PHIP is on the minus strand). VCF-style: chr6-78969834-C-T. GRCh37 (hg19) VCF-style: chr6-79679551-C-T.
Identifiers: ClinVar variation 2823807 (VCV002823807.3), dbSNP rs2481892793, ClinGen allele CA364647559.
Genomic context (GRCh38, chr6:78,969,834, plus strand): 5'-ATCACTTACTAAGAAAAAAAAACCACATCAAACATCGATAGCTTCTAAATAAATTACCCA[C>T]CTATATTCCATCGCCTGTATTTTGCATCATCAAATTGTTGTCTCAAGACTAGGAAATCTA-3'